The following is an entry in ClinVar:

ClinVar aggregate classification (germline): Conflicting classifications of pathogenicity. Review status: criteria provided, conflicting classifications (1 of 4 stars). 12 submissions from 12 submitters: Uncertain significance (1); Benign (6); Likely benign (5). Last evaluated 2026-01-31.

Conditions:
Birt-Hogg-Dube syndrome 1 (BHD1). Also called: FIBROFOLLICULOMAS WITH TRICHODISCOMAS AND ACROCHORDONS. Identifiers: Orphanet 122, MedGen CN375946, MONDO:0800445, OMIM 135150.
Hereditary cancer-predisposing syndrome. Also called: Tumor predisposition; Neoplastic Syndromes, Hereditary; Hereditary Cancer Syndrome; Hereditary neoplastic syndrome. Identifiers: Orphanet 140162, MedGen C0027672, MeSH D009386, MONDO:0015356.
Birt-Hogg-Dube syndrome. Also called: Birt Hogg Dubé syndrome. Identifiers: Orphanet 122, MedGen C0346010, MONDO:0800444.

Allele frequency attached by ClinVar (database versions not stated): gnomAD exomes 0.00023 and 0.00049; TOPMed 0.00024; gnomAD 0.00025 and 0.00028; ESP Exome Variant Server 0.00031; ExAC 0.00048.
gnomAD v4.1: 392 of 1,613,558 alleles (0.024%); highest among the groups gnomAD compares: South Asian, 0.079%; 1 homozygote.

Submissions (12):

Labcorp Genetics (formerly Invitae), Labcorp
Classification: Benign for Birt-Hogg-Dube syndrome. Last evaluated: 2026-01-31. Review status: criteria provided, single submitter. Criteria: Invitae Variant Classification Sherloc (09022015). Collection method: clinical testing. Allele origin: germline.

Quest Diagnostics Nichols Institute San Juan Capistrano
Classification: Benign. Last evaluated: 2025-10-27. Review status: criteria provided, single submitter. Criteria: Quest Diagnostics criteria. Collection method: clinical testing. Allele origin: unknown.

Center for Genomic Medicine, Rigshospitalet, Copenhagen University Hospital
Classification: Likely benign. Last evaluated: 2025-03-04. Review status: criteria provided, single submitter. Criteria: ACMG Guidelines, 2015. Collection method: clinical testing. Allele origin: germline.

Blueprint Genetics
Classification: Likely benign. Last evaluated: 2024-10-30. Review status: criteria provided, single submitter. Criteria: ACMG Guidelines, 2015. Collection method: clinical testing. Allele origin: germline.

Myriad Genetics, Inc.
Classification: Benign for Birt-Hogg-Dube syndrome 1. Last evaluated: 2024-10-24. Review status: criteria provided, single submitter. Criteria: Myriad Autosomal Dominant, Autosomal Recessive and X-Linked Classification Criteria (2023). Collection method: clinical testing. Allele origin: unknown.
Comment: This variant is considered benign. This variant is a silent/synonymous amino acid change and it is not expected to impact splicing.

Department of Pathology and Laboratory Medicine, Sinai Health System
Classification: Benign for Birt-Hogg-Dube syndrome 1. Last evaluated: 2023-08-22. Review status: criteria provided, single submitter. Criteria: ACMG Guidelines, 2015. Collection method: clinical testing. Allele origin: germline. Affected: yes.

Sema4
Classification: Benign for Hereditary cancer-predisposing syndrome. Last evaluated: 2021-08-19. Review status: criteria provided, single submitter. Criteria: Sema4 Curation Guidelines. Collection method: curation. Allele origin: germline.

Genetic Services Laboratory, University of Chicago
Classification: Benign. Last evaluated: 2021-06-17. Review status: criteria provided, single submitter. Criteria: ACMG Guidelines, 2015. Collection method: clinical testing. Allele origin: germline. Affected: no.

CeGaT Center for Human Genetics Tuebingen
Classification: Likely benign. Last evaluated: 2018-06-01. Review status: criteria provided, single submitter. Criteria: CeGaT Center For Human Genetics Tuebingen Variant Classification Criteria Version 2. Collection method: clinical testing. Allele origin: germline. Affected: yes. Observed: 1 variant allele.

GeneDx
Classification: Likely benign. Last evaluated: 2018-01-11. Review status: criteria provided, single submitter. Criteria: GeneDx Variant Classification (06012015). Collection method: clinical testing. Allele origin: germline. Affected: yes.
Comment: This variant is considered likely benign or benign based on one or more of the following criteria: it is a conservative change, it occurs at a poorly conserved position in the protein, it is predicted to be benign by multiple in silico algorithms, and/or has population frequency not consistent with disease.

Ambry Genetics
Classification: Likely benign for Hereditary cancer-predisposing syndrome. Last evaluated: 2015-07-03. Review status: criteria provided, single submitter. Criteria: Ambry Variant Classification Scheme 2023. Collection method: clinical testing. Allele origin: germline.

Eurofins Ntd Llc (ga)
Classification: Uncertain significance. Last evaluated: 2013-02-13. Review status: criteria provided, single submitter. Criteria: EGL Classification Definitions 2015. Collection method: clinical testing. Allele origin: germline. Observed: 1 variant allele, 1 heterozygote.

NM_144997.7(FLCN):c.1149C>T (p.Leu383=)

Gene: FLCN (folliculin; minus strand). Cytogenetic location: 17p11.2.
Variant type: single nucleotide variant.
Coding change: c.1149C>T on transcript NM_144997.7 (MANE Select); coding-DNA position 1149, C replaced by T.
Protein change: p.Leu383=; no amino-acid change (leucine 383 retained).
Molecular consequence: synonymous variant.
Genome position (GRCh38, 1-based): chr17:17,217,096, G>A on the plus strand (C>T on the coding strand, the complement: FLCN is on the minus strand). VCF-style: chr17-17217096-G-A. GRCh37 (hg19) VCF-style: chr17-17120410-G-A.
Other names: c.1149C>T, p.(=) (LRG_325t1); c.1203C>T, p.Leu401= (NM_001353229.2); c.1149C>T, p.Leu383= (NM_001353230.2, NM_001353231.2); c.1149C>T (NM_144997.6).
Identifiers: ClinVar variation 96470 (VCV000096470.68), dbSNP rs150752548, ClinGen allele CA188545.
Genomic context (GRCh38, chr17:17,217,096, plus strand): 5'-TGCGCCGCACACCTAAGGAAAAGATGTTCTCACCCGAAGTACTTCAAAAGCTGACTGGAC[G>A]AGGTCCACGTCTCTGCTTTTCCAGATCACCTGGTTCCCCATGAGAACGTGCCAGGCCAGC-3'
Protein context (NP_659434.2, residues 373-393): QVIWKSRDVD[Leu383=]VQSAFEVLRT